The following is an entry in ClinVar:

NM_001367624.2(ZNF469):c.10235G>A (p.Arg3412His)

Gene: ZNF469 (zinc finger protein 469; plus strand). Cytogenetic location: 16q24.2.
Variant type: single nucleotide variant.
Coding change: c.10235G>A on transcript NM_001367624.2 (MANE Select); coding-DNA position 10235, G replaced by A.
Protein change: p.Arg3412His; replaces arginine 3412 with histidine.
Molecular consequence: missense variant.
Genome position (GRCh38, 1-based): chr16:88,437,705, G>A. VCF-style: chr16-88437705-G-A. GRCh37 (hg19) VCF-style: chr16-88504113-G-A.
Other names: NM_001127464.1:c.10151G>A; short protein forms R3412H.
Identifiers: ClinVar variation 1481523 (VCV001481523.6), dbSNP rs751080818, ClinGen allele CA8225486.

ClinVar aggregate classification (germline): Conflicting classifications of pathogenicity. Review status: criteria provided, conflicting classifications (1 of 4 stars). 2 submissions from 2 submitters: Uncertain significance (1); Likely benign (1). Last evaluated 2025-08-26.

Conditions:
Cardiovascular phenotype. Identifiers: MedGen CN230736.

Allele frequency attached by ClinVar (database versions not stated): gnomAD exomes below 0.00001 and 0.00005; TOPMed 0.00002; gnomAD 0.00003; ExAC 0.00015.
gnomAD v4.1: 9 of 1,549,702 alleles (0.00058%); highest among the groups gnomAD compares: East Asian, 0.017%; no homozygotes.

Submissions (2):

Labcorp Genetics (formerly Invitae), Labcorp
Classification: Uncertain significance. Last evaluated: 2025-08-26. Review status: criteria provided, single submitter. Criteria: Invitae Variant Classification Sherloc (09022015). Collection method: clinical testing. Allele origin: germline.
Comment: This sequence change replaces arginine, which is basic and polar, with histidine, which is basic and polar, at codon 3384 of the ZNF469 protein (p.Arg3384His). This variant is present in population databases (rs751080818, gnomAD 0.06%). This variant has not been reported in the literature in individuals affected with ZNF469-related conditions. ClinVar contains an entry for this variant (Variation ID: 1481523). An algorithm developed to predict the effect of missense changes on protein structure and function outputs the following: PolyPhen-2: "Benign". The histidine amino acid residue is found in multiple mammalian species, which suggests that this missense change does not adversely affect protein function. In summary, the available evidence is currently insufficient to determine the role of this variant in disease. Therefore, it has been classified as a Variant of Uncertain Significance.

Ambry Genetics
Classification: Likely benign for Cardiovascular phenotype. Last evaluated: 2023-11-04. Review status: criteria provided, single submitter. Criteria: Ambry Variant Classification Scheme 2023. Collection method: clinical testing. Allele origin: germline.